The following is an entry in ClinVar:

NM_004064.5(CDKN1B):c.533C>T (p.Ser178Phe)

Gene: CDKN1B (cyclin dependent kinase inhibitor 1B; plus strand). Cytogenetic location: 12p13.1.
Variant type: single nucleotide variant.
Coding change: c.533C>T on transcript NM_004064.5 (MANE Select); coding-DNA position 533, C replaced by T.
Protein change: p.Ser178Phe; replaces serine 178 with phenylalanine.
Molecular consequence: missense variant.
Genome position (GRCh38, 1-based): chr12:12,718,882, C>T. VCF-style: chr12-12718882-C-T. GRCh37 (hg19) VCF-style: chr12-12871816-C-T.
Other names: short protein forms S178F.
Identifiers: ClinVar variation 1481566 (VCV001481566.13), dbSNP rs2136357372, ClinGen allele CA383972994.

ClinVar aggregate classification (germline): Uncertain significance. Review status: criteria provided, multiple submitters, no conflicts (2 of 4 stars). 4 submissions from 4 submitters: Uncertain significance (4). Last evaluated 2026-02-26.

Conditions:
Multiple endocrine neoplasia type 4. Also called: MULTIPLE ENDOCRINE NEOPLASIA, TYPE IV. Identifiers: Orphanet 276152, MedGen C1970712, MONDO:0012552, OMIM 610755.
Hereditary cancer-predisposing syndrome. Also called: Hereditary Cancer Syndrome; Tumor predisposition; Neoplastic Syndromes, Hereditary; Hereditary neoplastic syndrome. Identifiers: Orphanet 140162, MedGen C0027672, MeSH D009386, MONDO:0015356.

Submissions (4):

Laboratorio de Genetica e Diagnostico Molecular, Hospital Israelita Albert Einstein
Classification: Uncertain significance for Multiple endocrine neoplasia type 4. Last evaluated: 2026-02-26. Review status: criteria provided, single submitter. Criteria: ACMG Guidelines, 2015. Collection method: clinical testing. Allele origin: germline. Affected: yes.
Comment: ACMG classification criteria: PM2 supporting, BP4 supporting

Ambry Genetics
Classification: Uncertain significance for Hereditary cancer-predisposing syndrome. Last evaluated: 2025-08-01. Review status: criteria provided, single submitter. Criteria: Ambry Variant Classification Scheme 2023. Collection method: clinical testing. Allele origin: germline.
Comment: The p.S178F variant (also known as c.533C>T), located in coding exon 2 of the CDKN1B gene, results from a C to T substitution at nucleotide position 533. The serine at codon 178 is replaced by phenylalanine, an amino acid with highly dissimilar properties. This amino acid position is well conserved in available vertebrate species. In addition, this alteration is predicted to be tolerated by in silico analysis. Based on the available evidence, the clinical significance of this variant remains unclear.

Labcorp Genetics (formerly Invitae), Labcorp
Classification: Uncertain significance for Multiple endocrine neoplasia type 4. Last evaluated: 2024-07-18. Review status: criteria provided, single submitter. Criteria: Invitae Variant Classification Sherloc (09022015). Collection method: clinical testing. Allele origin: germline.
Comment: This sequence change replaces serine, which is neutral and polar, with phenylalanine, which is neutral and non-polar, at codon 178 of the CDKN1B protein (p.Ser178Phe). This variant is not present in population databases (gnomAD no frequency). This variant has not been reported in the literature in individuals affected with CDKN1B-related conditions. ClinVar contains an entry for this variant (Variation ID: 1481566). An algorithm developed to predict the effect of missense changes on protein structure and function (PolyPhen-2) suggests that this variant is likely to be disruptive. In summary, the available evidence is currently insufficient to determine the role of this variant in disease. Therefore, it has been classified as a Variant of Uncertain Significance.

Baylor Genetics
Classification: Uncertain significance for Multiple endocrine neoplasia type 4. Last evaluated: 2024-03-26. Review status: criteria provided, single submitter. Criteria: ACMG Guidelines, 2015. Collection method: clinical testing. Allele origin: unknown.